The following is an entry in ClinVar:

ClinVar aggregate classification (germline): Uncertain significance (1 of 4 stars; one submission).

Submission:

Labcorp Genetics (formerly Invitae), Labcorp
Classification: Uncertain significance. Last evaluated: 2024-09-05. Review status: criteria provided, single submitter. Criteria: Invitae Variant Classification Sherloc (09022015). Collection method: clinical testing. Allele origin: germline.
Comment: This sequence change replaces aspartic acid, which is acidic and polar, with glycine, which is neutral and non-polar, at codon 38 of the BACH2 protein (p.Asp38Gly). This variant is not present in population databases (gnomAD no frequency). This variant has not been reported in the literature in individuals affected with BACH2-related conditions. Invitae Evidence Modeling of protein sequence and biophysical properties (such as structural, functional, and spatial information, amino acid conservation, physicochemical variation, residue mobility, and thermodynamic stability) has been performed for this missense variant. However, the output from this modeling did not meet the statistical confidence thresholds required to predict the impact of this variant on BACH2 protein function. In summary, the available evidence is currently insufficient to determine the role of this variant in disease. Therefore, it has been classified as a Variant of Uncertain Significance.

NM_021813.4(BACH2):c.113A>G (p.Asp38Gly)

Gene: BACH2 (BACH transcriptional regulator 2; minus strand). Cytogenetic location: 6q15.
Variant type: single nucleotide variant.
Coding change: c.113A>G on transcript NM_021813.4 (MANE Select); coding-DNA position 113, A replaced by G.
Protein change: p.Asp38Gly; replaces aspartic acid 38 with glycine.
Molecular consequence: missense variant.
Genome position (GRCh38, 1-based): chr6:90,008,732, T>C on the plus strand (A>G on the coding strand, the complement: BACH2 is on the minus strand). VCF-style: chr6-90008732-T-C. GRCh37 (hg19) VCF-style: chr6-90718451-T-C.
Other names: c.113A>G, p.Asp38Gly (NM_001170794.2); short protein forms D38G.
Identifiers: ClinVar variation 3646763 (VCV003646763.2).